The following is an entry in ClinVar:

NM_000264.5(PTCH1):c.2193A>G (p.Thr731=)

Genes: PTCH1 (patched 1; minus strand), LOC100507346 (uncharacterized LOC100507346; plus strand). Cytogenetic location: 9q22.32.
Variant type: single nucleotide variant.
Coding change: c.2193A>G on transcript NM_000264.5 (MANE Select); coding-DNA position 2193, A replaced by G.
Protein change: p.Thr731=; no amino-acid change (threonine 731 retained).
Molecular consequence: synonymous variant. On other transcripts: non-coding transcript variant (2).
Genome position (GRCh38, 1-based): chr9:95,468,808, T>C on the plus strand (A>G on the coding strand, the complement: PTCH1 is on the minus strand). VCF-style: chr9-95468808-T-C. GRCh37 (hg19) VCF-style: chr9-98231090-T-C.
Other names: c.1995A>G, p.Thr665= (NM_001083602.3); c.2190A>G, p.Thr730= (NM_001083603.3); c.1740A>G, p.Thr580= (NM_001083604.3, NM_001083605.3, NM_001083606.3 and 1 more transcripts); c.2037A>G, p.Thr679= (NM_001354918.2).
Identifiers: ClinVar variation 1787448 (VCV001787448.12), dbSNP rs760285524, ClinGen allele CA466352287.

ClinVar aggregate classification (germline): Likely benign. Review status: criteria provided, multiple submitters, no conflicts (2 of 4 stars). 3 submissions from 3 submitters: Likely benign (3). Last evaluated 2025-08-01.

Conditions:
Hereditary cancer-predisposing syndrome. Also called: Hereditary neoplastic syndrome; Neoplastic Syndromes, Hereditary; Tumor predisposition; Hereditary Cancer Syndrome. Identifiers: Orphanet 140162, MedGen C0027672, MeSH D009386, MONDO:0015356.
Gorlin syndrome. Also called: Nevoid Basal Cell Carcinoma Syndrome; Basal cell nevus syndrome. Identifiers: Orphanet 377, MedGen C0004779, MONDO:0007187.

gnomAD v4.1: 1 of 1,614,098 alleles (0.000062%); highest among the groups gnomAD compares: Non-Finnish European, 0.000085%; no homozygotes.

Submissions (3):

CeGaT Center for Human Genetics Tuebingen
Classification: Likely benign. Last evaluated: 2025-08-01. Review status: criteria provided, single submitter. Criteria: CeGaT Center For Human Genetics Tuebingen Variant Classification Criteria Version 2. Collection method: clinical testing. Allele origin: germline. Affected: yes. Observed: 1 variant allele.
Comment: PTCH1: BP4, BP7

Labcorp Genetics (formerly Invitae), Labcorp
Classification: Likely benign for Gorlin syndrome. Last evaluated: 2025-05-25. Review status: criteria provided, single submitter. Criteria: Invitae Variant Classification Sherloc (09022015). Collection method: clinical testing. Allele origin: germline.

Ambry Genetics
Classification: Likely benign for Hereditary cancer-predisposing syndrome. Last evaluated: 2019-09-11. Review status: criteria provided, single submitter. Criteria: Ambry Variant Classification Scheme 2023. Collection method: clinical testing. Allele origin: germline.